The following is an entry in ClinVar:

ClinVar aggregate classification (germline): Uncertain significance (1 of 4 stars; one submission).

Allele frequency attached by ClinVar (database versions not stated): gnomAD exomes below 0.00001.
gnomAD v4.1: 2 of 1,613,884 alleles (0.00012%); highest among the groups gnomAD compares: Non-Finnish European, 0.00017%; no homozygotes.

Submission:

Labcorp Genetics (formerly Invitae), Labcorp
Classification: Uncertain significance. Last evaluated: 2021-03-17. Review status: criteria provided, single submitter. Criteria: Invitae Variant Classification Sherloc (09022015). Collection method: clinical testing. Allele origin: germline.
Comment: In summary, the available evidence is currently insufficient to determine the role of this variant in disease. Therefore, it has been classified as a Variant of Uncertain Significance. Algorithms developed to predict the effect of missense changes on protein structure and function are either unavailable or do not agree on the potential impact of this missense change (SIFT: "Deleterious"; PolyPhen-2: "Probably Damaging"; Align-GVGD: "Class C0"). This variant has not been reported in the literature in individuals with C8B-related conditions. This variant is not present in population databases (ExAC no frequency). This sequence change replaces tryptophan with glycine at codon 548 of the C8B protein (p.Trp548Gly). The tryptophan residue is highly conserved and there is a large physicochemical difference between tryptophan and glycine.

NM_000066.4(C8B):c.1642T>G (p.Trp548Gly)

Gene: C8B (complement C8 beta chain; minus strand). Cytogenetic location: 1p32.2.
Variant type: single nucleotide variant.
Coding change: c.1642T>G on transcript NM_000066.4 (MANE Select); coding-DNA position 1642, T replaced by G.
Protein change: p.Trp548Gly; replaces tryptophan 548 with glycine.
Molecular consequence: missense variant.
Genome position (GRCh38, 1-based): chr1:56,929,538, A>C on the plus strand (T>G on the coding strand, the complement: C8B is on the minus strand). VCF-style: chr1-56929538-A-C. GRCh37 (hg19) VCF-style: chr1-57395211-A-C.
Other names: c.1486T>G, p.Trp496Gly (NM_001278543.2); c.1456T>G, p.Trp486Gly (NM_001278544.2); short protein forms W486G, W496G, W548G.
Identifiers: ClinVar variation 1429324 (VCV001429324.8), dbSNP rs2101343704, ClinGen allele CA340519096.